The following is an entry in ClinVar:

ClinVar aggregate classification (germline): Likely benign (1 of 4 stars; one submission).

Submission:

CeGaT Center for Human Genetics Tuebingen
Classification: Likely benign. Last evaluated: 2022-07-01. Review status: criteria provided, single submitter. Criteria: CeGaT Center For Human Genetics Tuebingen Variant Classification Criteria Version 2. Collection method: clinical testing. Allele origin: germline. Affected: yes. Observed: 1 variant allele.
Comment: CNNM4: PM2:Supporting, BP4, BP7

NM_020184.4(CNNM4):c.2238G>A (p.Lys746=)

Gene: CNNM4 (cyclin and CBS domain divalent metal cation transport mediator 4; plus strand). Cytogenetic location: 2q11.2.
Variant type: single nucleotide variant.
Coding change: c.2238G>A on transcript NM_020184.4 (MANE Select); coding-DNA position 2238, G replaced by A.
Protein change: p.Lys746=; no amino-acid change (lysine 746 retained).
Molecular consequence: synonymous variant.
Genome position (GRCh38, 1-based): chr2:96,809,427, G>A. VCF-style: chr2-96809427-G-A. GRCh37 (hg19) VCF-style: chr2-97475164-G-A.
Identifiers: ClinVar variation 2651153 (VCV002651153.24), dbSNP rs2466492349, ClinGen allele CA427519475.
Genomic context (GRCh38, chr2:96,809,427, plus strand): 5'-GAACAGCCCTCAGTTTCCCATAGACGGGTGCACCACCCACATGGAGAACTTGGCCGAGAA[G>A]TCTGAGCTGCCTGTGGTGGACGAGACCACAACTCTTCTCAACGAGCGTAACTCCTTGCTG-3'
Protein context (NP_064569.3, residues 736-756): CTTHMENLAE[Lys746=]SELPVVDETT